The following is an entry in ClinVar:

NM_078480.3(PUF60):c.461C>T (p.Pro154Leu)

Gene: PUF60 (poly(U) binding splicing factor 60; minus strand). Cytogenetic location: 8q24.3.
Variant type: single nucleotide variant.
Coding change: c.461C>T on transcript NM_078480.3 (MANE Select); coding-DNA position 461, C replaced by T.
Protein change: p.Pro154Leu; replaces proline 154 with leucine.
Molecular consequence: missense variant.
Genome position (GRCh38, 1-based): chr8:143,818,422, G>A on the plus strand (C>T on the coding strand, the complement: PUF60 is on the minus strand). VCF-style: chr8-143818422-G-A. GRCh37 (hg19) VCF-style: chr8-144900592-G-A.
Other names: c.332C>T, p.Pro111Leu (NM_001136033.3); c.407C>T, p.Pro136Leu (NM_001271096.2); c.323C>T, p.Pro108Leu (NM_001271097.2); c.458C>T, p.Pro153Leu (NM_001271098.2); c.374C>T, p.Pro125Leu (NM_001271099.2); c.281C>T, p.Pro94Leu (NM_001271100.2); c.572C>T, p.Pro191Leu (NM_001362895.2, NM_001362896.2); c.521C>T, p.Pro174Leu (NM_001362897.2); and 1 more; short protein forms P108L, P111L, P125L, P136L, P137L, P153L, P154L, P174L.
Identifiers: ClinVar variation 3363912 (VCV003363912.1).

ClinVar aggregate classification (germline): Uncertain significance (1 of 4 stars; one submission).

Submission:

GeneDx
Classification: Uncertain significance. Last evaluated: 2023-11-10. Review status: criteria provided, single submitter. Criteria: GeneDx Variant Classification Process June 2021. Collection method: clinical testing. Allele origin: germline. Affected: yes.
Comment: Not observed at significant frequency in large population cohorts (gnomAD); In silico analysis supports that this missense variant has a deleterious effect on protein structure/function; Has not been previously published as pathogenic or benign to our knowledge